The following is an entry in ClinVar:

NM_022489.4(INF2):c.763G>A (p.Asp255Asn)

Gene: INF2 (inverted formin 2; plus strand). Cytogenetic location: 14q32.33.
Variant type: single nucleotide variant.
Coding change: c.763G>A on transcript NM_022489.4 (MANE Select); coding-DNA position 763, G replaced by A.
Protein change: p.Asp255Asn; replaces aspartic acid 255 with asparagine.
Molecular consequence: missense variant. On other transcripts: non-coding transcript variant (1).
Genome position (GRCh38, 1-based): chr14:104,706,096, G>A. VCF-style: chr14-104706096-G-A. GRCh37 (hg19) VCF-style: chr14-105172433-G-A.
Other names: c.763G>A, p.Asp255Asn (NM_001031714.4, NM_001426862.1, NM_001426863.1 and 2 more transcripts); short protein forms D255N.
Identifiers: ClinVar variation 4879859 (VCV004879859.1).

ClinVar aggregate classification (germline): Likely pathogenic (1 of 4 stars; one submission).

Conditions:
Focal segmental glomerulosclerosis 5 (FSGS5). Identifiers: Orphanet 656, MedGen C2750475, MONDO:0013191, OMIM 613237.

Submission:

MVZ Medizinische Genetik Mainz
Classification: Likely pathogenic for Focal segmental glomerulosclerosis 5. Last evaluated: 2026-07-06. Review status: criteria provided, single submitter. Criteria: UK Practice Guidelines For Variant Classification V4 01 2020. Collection method: clinical testing. Allele origin: germline. Inheritance: Autosomal dominant inheritance. Affected: yes. Observed: 1 variant allele.
Comment: ACMG Criteria: PM1,PS4_SUP,PM2_SUP,PM5_SUP,PP1,PP3